The following is an entry in ClinVar:

NM_001454.4(FOXJ1):c.160C>A (p.Pro54Thr)

Genes: FOXJ1 (forkhead box J1; minus strand), LOC130061707 (ATAC-STARR-seq lymphoblastoid silent region 9003; plus strand). Cytogenetic location: 17q25.1.
Variant type: single nucleotide variant.
Coding change: c.160C>A on transcript NM_001454.4 (MANE Select); coding-DNA position 160, C replaced by A.
Protein change: p.Pro54Thr; replaces proline 54 with threonine.
Molecular consequence: missense variant.
Genome position (GRCh38, 1-based): chr17:76,140,236, G>T on the plus strand (C>A on the coding strand, the complement: FOXJ1 is on the minus strand). VCF-style: chr17-76140236-G-T. GRCh37 (hg19) VCF-style: chr17-74136317-G-T.
Other names: short protein forms P54T.
Identifiers: ClinVar variation 5000550 (VCV005000550.1).

ClinVar aggregate classification (germline): Uncertain significance (1 of 4 stars; one submission).

Conditions:
FOXJ1-related disorder. Also called: FOXJ1-related condition.

Submission:

PreventionGenetics, part of Exact Sciences
Classification: Uncertain significance for FOXJ1-related condition. Last evaluated: 2025-05-22. Review status: criteria provided, single submitter. Criteria: ACMG Guidelines, 2015. Collection method: clinical testing. Allele origin: germline.
Comment: The FOXJ1 c.160C>A variant is predicted to result in the amino acid substitution p.Pro54Thr. To our knowledge, this variant has not been reported in the literature or in a large population database (gnomAD), indicating this variant is rare. At this time, the clinical significance of this variant is uncertain due to the absence of conclusive functional and genetic evidence.